The following is an entry in ClinVar:

NM_012431.3(SEMA3E):c.2079G>A (p.Arg693=)

Gene: SEMA3E (semaphorin 3E; minus strand). Cytogenetic location: 7q21.11.
Variant type: single nucleotide variant.
Coding change: c.2079G>A on transcript NM_012431.3 (MANE Select); coding-DNA position 2079, G replaced by A.
Protein change: p.Arg693=; no amino-acid change (arginine 693 retained).
Molecular consequence: synonymous variant.
Genome position (GRCh38, 1-based): chr7:83,367,835, C>T on the plus strand (G>A on the coding strand, the complement: SEMA3E is on the minus strand). VCF-style: chr7-83367835-C-T. GRCh37 (hg19) VCF-style: chr7-82997151-C-T.
Other names: c.2079G>A (NM_012431.2); c.1899G>A, p.Arg633= (NM_001178129.2).
Identifiers: ClinVar variation 2145629 (VCV002145629.5), dbSNP rs754284987, ClinGen allele CA4321829.

ClinVar aggregate classification (germline): Likely benign. Review status: criteria provided, single submitter (1 of 4 stars). 2 submissions from 2 submitters: Likely benign (1). 1 of the submissions does not count toward it. Last evaluated 2022-08-14.

Conditions:
SEMA3E-related disorder. Also called: SEMA3E-related condition.
CHARGE syndrome (CHARGE). Also called: Hittner Hirsch Kreh syndrome; CHARGE ASSOCIATION--COLOBOMA, HEART ANOMALY, CHOANAL ATRESIA, RETARDATION, GENITAL AND EAR ANOMALIES; Coloboma, heart anomaly, choanal atresia, retardation, genital and ear anomalies; CHARGE association; Hall-Hittner syndrome. Identifiers: Orphanet 138, MedGen C0265354, MONDO:0008965.

Allele frequency attached by ClinVar (database versions not stated): ExAC 0.00001; TOPMed 0.00003; gnomAD 0.00004.
gnomAD v4.1: 9 of 1,613,616 alleles (0.00056%); highest among the groups gnomAD compares: African/African-American, 0.0093%; no homozygotes.

Submissions (2):

Labcorp Genetics (formerly Invitae), Labcorp
Classification: Likely benign for CHARGE syndrome. Last evaluated: 2022-08-14. Review status: criteria provided, single submitter. Criteria: Invitae Variant Classification Sherloc (09022015). Collection method: clinical testing. Allele origin: germline.

PreventionGenetics, part of Exact Sciences
Classification: Likely benign for SEMA3E-related condition. Last evaluated: 2023-10-27. Review status: no assertion criteria provided. Collection method: clinical testing. Allele origin: germline. Not counted in ClinVar's aggregate classification.
Comment: This variant is classified as likely benign based on ACMG/AMP sequence variant interpretation guidelines (Richards et al. 2015 PMID: 25741868, with internal and published modifications).